The following is an entry in ClinVar:

ClinVar aggregate classification (germline): Uncertain significance (1 of 4 stars; one submission).

Conditions:
Hyper-IgE recurrent infection syndrome 3, autosomal recessive. Also called: Autosomal recessive hyper-IgE syndrome due to ZNF341 deficiency; HYPER-IgE SYNDROME 3, AUTOSOMAL RECESSIVE, WITH RECURRENT INFECTIONS. Identifiers: Orphanet 641368, MedGen C4748969, MONDO:0032654, OMIM 618282.

Allele frequency attached by ClinVar (database versions not stated): ExAC 0.00005; ESP Exome Variant Server 0.00023.
gnomAD v4.1: 37 of 1,614,144 alleles (0.0023%); highest among the groups gnomAD compares: African/African-American, 0.0067%; no homozygotes.

Submission:

Labcorp Genetics (formerly Invitae), Labcorp
Classification: Uncertain significance for Combined immunodeficiency due to DOCK8 deficiency. Last evaluated: 2022-03-16. Review status: criteria provided, single submitter. Criteria: Invitae Variant Classification Sherloc (09022015). Collection method: clinical testing. Allele origin: germline.
Comment: This sequence change replaces arginine, which is basic and polar, with tryptophan, which is neutral and slightly polar, at codon 398 of the DOCK8 protein (p.Arg398Trp). This variant is present in population databases (rs369052464, gnomAD 0.02%). In summary, the available evidence is currently insufficient to determine the role of this variant in disease. Therefore, it has been classified as a Variant of Uncertain Significance. Algorithms developed to predict the effect of missense changes on protein structure and function are either unavailable or do not agree on the potential impact of this missense change (SIFT: "Deleterious"; PolyPhen-2: "Probably Damaging"; Align-GVGD: "Class C0"). This variant has not been reported in the literature in individuals affected with DOCK8-related conditions.

NM_203447.4(DOCK8):c.1192C>T (p.Arg398Trp)

Gene: DOCK8 (dedicator of cytokinesis 8; plus strand). Cytogenetic location: 9p24.3.
Variant type: single nucleotide variant.
Coding change: c.1192C>T on transcript NM_203447.4 (MANE Select); coding-DNA position 1192, C replaced by T.
Protein change: p.Arg398Trp; replaces arginine 398 with tryptophan.
Molecular consequence: missense variant.
Genome position (GRCh38, 1-based): chr9:334,291, C>T. VCF-style: chr9-334291-C-T. GRCh37 (hg19) VCF-style: chr9-334291-C-T.
Other names: c.988C>T, p.Arg330Trp (NM_001190458.2, NM_001193536.2); short protein forms R330W, R398W.
Identifiers: ClinVar variation 2172438 (VCV002172438.2), dbSNP rs369052464, ClinGen allele CA4957642.